The following is an entry in ClinVar:

ClinVar aggregate classification (germline): Pathogenic (1 of 4 stars; one submission).

Submission:

Labcorp Genetics (formerly Invitae), Labcorp
Classification: Pathogenic. Last evaluated: 2023-11-24. Review status: criteria provided, single submitter. Criteria: Invitae Variant Classification Sherloc (09022015). Collection method: clinical testing. Allele origin: unknown.
Comment: This variant is a gross deletion of the genomic region encompassing exon(s) 10-14 of the PRPF31 gene, which includes the termination codon. This deletion extends beyond the assayed region for this gene and therefore may encompass additional genes. While this deletion is not anticipated to lead to nonsense mediated decay, it is expected to alter mRNA translation or result in a truncated protein product. This variant has not been reported in the literature in individuals affected with PRPF31-related conditions. This variant disrupts a region of the PRPF31 protein in which other variant(s) (Deletion (Exon 14)) have been determined to be pathogenic (Invitae). This suggests that this is a clinically significant region of the protein, and that variants that disrupt it are likely to be disease-causing. For these reasons, this variant has been classified as Pathogenic.

NC_000019.9:g.(?_54631428)_(54634863_?)del

Gene: PRPF31 (pre-mRNA processing factor 31; plus strand). Cytogenetic location: 19q13.42.
Variant type: Deletion.
Identifiers: ClinVar variation 3242696 (VCV003242696.1).